The following is an entry in ClinVar:

ClinVar aggregate classification (germline): Pathogenic (1 of 4 stars; one submission).

Conditions:
Neuronal ceroid lipofuscinosis. Also called: Neuronal Ceroid Lipofuscinoses. Identifiers: Orphanet 216, Orphanet 79263, MedGen C0027877, MONDO:0016295. Disease mechanism: loss of function.

Submission:

Labcorp Genetics (formerly Invitae), Labcorp
Classification: Pathogenic for Neuronal ceroid lipofuscinosis. Last evaluated: 2020-04-18. Review status: criteria provided, single submitter. Criteria: Invitae Variant Classification Sherloc (09022015). Collection method: clinical testing. Allele origin: germline.
Comment: For these reasons, this variant has been classified as Pathogenic. Loss-of-function variants in CLN3 are known to be pathogenic (PMID: 9311735, 28542676). This variant has not been reported in the literature in individuals with CLN3-related conditions. This variant is a gross deletion of the genomic region encompassing exon(s) 2-3 of the CLN3 gene, which includes the initiator codon. The 5' end of this event is unknown as it extends beyond the assayed region for this gene and therefore may encompass additional genes. The 3' boundary is likely confined to intron 3 of the CLN3 gene. This is expected to result in an absent or disrupted protein product.

Literature cited by the submitters: PubMed 9311735; PubMed 28542676.

NC_000016.9:g.(?_28502803)_(28503080_?)del

Gene: CLN3 (CLN3 lysosomal/endosomal transmembrane protein, battenin; minus strand). Cytogenetic location: 16p11.2.
Variant type: Deletion.
Identifiers: ClinVar variation 1073959 (VCV001073959.5).